The following is an entry in ClinVar:

NM_001035.3(RYR2):c.5296C>T (p.Pro1766Ser)

Gene: RYR2 (ryanodine receptor 2; plus strand). Cytogenetic location: 1q43.
Variant type: single nucleotide variant.
Coding change: c.5296C>T on transcript NM_001035.3 (MANE Select); coding-DNA position 5296, C replaced by T.
Protein change: p.Pro1766Ser; replaces proline 1766 with serine.
Molecular consequence: missense variant.
Genome position (GRCh38, 1-based): chr1:237,614,424, C>T. VCF-style: chr1-237614424-C-T. GRCh37 (hg19) VCF-style: chr1-237777724-C-T.
Other names: c.5296C>T, p.Pro1766Ser (LRG_402t1); short protein forms P1766S.
Identifiers: ClinVar variation 659944 (VCV000659944.10), dbSNP rs1573124513, ClinGen allele CA345404718.
Genomic context (GRCh38, chr1:237,614,424, plus strand): 5'-CACGGCCTTCCAGGGATCGGCCTCAGCACCTCCCTCAGGCCACGGATGCAGTTTTCCTCC[C>T]CCAGTTTTGTAAGCATTAGTAATGAATGTTACCAGTACAGTCCAGAGTTCCCACTGGACA-3'
Protein context (NP_001026.2, residues 1756-1776): SLRPRMQFSS[Pro1766Ser]SFVSISNECY

ClinVar aggregate classification (germline): Uncertain significance (1 of 4 stars; one submission).

Conditions:
Catecholaminergic polymorphic ventricular tachycardia 1. Also called: VENTRICULAR TACHYCARDIA, CATECHOLAMINERGIC POLYMORPHIC, 1, WITH OR WITHOUT ATRIAL DYSFUNCTION AND/OR DILATED CARDIOMYOPATHY; VENTRICULAR TACHYCARDIA, STRESS-INDUCED POLYMORPHIC 1; RYR2-Related Catecholaminergic Polymorphic Ventricular Tachycardia. Identifiers: Orphanet 3286, MedGen C1631597, MONDO:0011484, OMIM 604772.

Submission:

Labcorp Genetics (formerly Invitae), Labcorp
Classification: Uncertain significance for Catecholaminergic polymorphic ventricular tachycardia 1. Last evaluated: 2022-03-09. Review status: criteria provided, single submitter. Criteria: Invitae Variant Classification Sherloc (09022015). Collection method: clinical testing. Allele origin: germline.
Comment: In summary, the available evidence is currently insufficient to determine the role of this variant in disease. Therefore, it has been classified as a Variant of Uncertain Significance. Advanced modeling of protein sequence and biophysical properties (such as structural, functional, and spatial information, amino acid conservation, physicochemical variation, residue mobility, and thermodynamic stability) performed at Invitae indicates that this missense variant is not expected to disrupt RYR2 protein function. ClinVar contains an entry for this variant (Variation ID: 659944). This variant has not been reported in the literature in individuals affected with RYR2-related conditions. This variant is not present in population databases (gnomAD no frequency). This sequence change replaces proline, which is neutral and non-polar, with serine, which is neutral and polar, at codon 1766 of the RYR2 protein (p.Pro1766Ser).